The following is an entry in ClinVar:

ClinVar aggregate classification (germline): Uncertain significance (1 of 4 stars; one submission).

Conditions:
Cardiovascular phenotype. Identifiers: MedGen CN230736.

gnomAD v4.1: 1 of 1,212,068 alleles (0.000083%); highest among the groups gnomAD compares: Non-Finnish European, 0.00011%; no homozygotes.

Submission:

Ambry Genetics
Classification: Uncertain significance for Cardiovascular phenotype. Last evaluated: 2024-11-13. Review status: criteria provided, single submitter. Criteria: Ambry Variant Classification Scheme 2023. Collection method: clinical testing. Allele origin: germline.
Comment: The p.P143S variant (also known as c.427C>T), located in coding exon 3 of the FHL1 gene, results from a C to T substitution at nucleotide position 427. The proline at codon 143 is replaced by serine, an amino acid with similar properties. This amino acid position is conserved. In addition, the in silico prediction for this alteration is inconclusive. Based on the available evidence, the clinical significance of this variant remains unclear.

NM_001159699.2(FHL1):c.475C>T (p.Pro159Ser)

Gene: FHL1 (four and a half LIM domains 1; plus strand). Cytogenetic location: Xq26.3.
Variant type: single nucleotide variant.
Coding change: c.475C>T on transcript NM_001159699.2 (MANE Select); coding-DNA position 475, C replaced by T.
Protein change: p.Pro159Ser; replaces proline 159 with serine.
Molecular consequence: missense variant. On other transcripts: non-coding transcript variant (1).
Genome position (GRCh38, 1-based): chrX:136,207,887, C>T. VCF-style: chrX-136207887-C-T. GRCh37 (hg19) VCF-style: chrX-135290046-C-T.
Other names: c.427C>T, p.Pro143Ser (NM_001159700.2, NM_001159702.3, NM_001159703.2 and 9 more transcripts); c.514C>T, p.Pro172Ser (NM_001159701.2); c.475C>T, p.Pro159Ser (NM_001330659.2); short protein forms P159S, P172S, P143S.
Identifiers: ClinVar variation 3515259 (VCV003515259.1).